The following is an entry in ClinVar:

ClinVar aggregate classification (germline): Uncertain significance. Review status: criteria provided, multiple submitters, no conflicts (2 of 4 stars). 2 submissions from 2 submitters: Uncertain significance (2). Last evaluated 2026-07-26.

Conditions:
Inborn genetic diseases. Identifiers: MedGen C0950123, MeSH D030342.

gnomAD v4.1: 1 of 1,613,866 alleles (0.000062%); highest among the groups gnomAD compares: Non-Finnish European, 0.000085%; no homozygotes.

Submissions (2):

Ambry Genetics
Classification: Uncertain significance for Inborn genetic diseases. Last evaluated: 2026-07-26. Review status: criteria provided, single submitter. Criteria: Ambry Variant Classification Scheme 2023. Collection method: clinical testing. Allele origin: germline.
Comment: The p.A365V variant (also known as c.1094C>T), located in coding exon 1 of the SAMD9L gene, results from a C to T substitution at nucleotide position 1094. The alanine at codon 365 is replaced by valine, an amino acid with similar properties. This amino acid position is conserved. In addition, this alteration is predicted to be tolerated by in silico analysis. Based on the available evidence, the clinical significance of this variant remains unclear.

Labcorp Genetics (formerly Invitae), Labcorp
Classification: Uncertain significance. Last evaluated: 2025-11-08. Review status: criteria provided, single submitter. Criteria: Invitae Variant Classification Sherloc (09022015). Collection method: clinical testing. Allele origin: germline.
Comment: This sequence change replaces alanine, which is neutral and non-polar, with valine, which is neutral and non-polar, at codon 365 of the SAMD9L protein (p.Ala365Val). This variant is present in population databases (no rsID available, gnomAD 0.0009%). This variant has not been reported in the literature in individuals affected with SAMD9L-related conditions. Invitae Evidence Modeling of protein sequence and biophysical properties (such as structural, functional, and spatial information, amino acid conservation, physicochemical variation, residue mobility, and thermodynamic stability) indicates that this missense variant is not expected to disrupt SAMD9L protein function with a negative predictive value of 80%. In summary, the available evidence is currently insufficient to determine the role of this variant in disease. Therefore, it has been classified as a Variant of Uncertain Significance.

NM_152703.5(SAMD9L):c.1094C>T (p.Ala365Val)

Gene: SAMD9L (sterile alpha motif domain containing 9 like; minus strand). Cytogenetic location: 7q21.2.
Variant type: single nucleotide variant.
Coding change: c.1094C>T on transcript NM_152703.5 (MANE Select); coding-DNA position 1094, C replaced by T.
Protein change: p.Ala365Val; replaces alanine 365 with valine.
Molecular consequence: missense variant.
Genome position (GRCh38, 1-based): chr7:93,134,878, G>A on the plus strand (C>T on the coding strand, the complement: SAMD9L is on the minus strand). VCF-style: chr7-93134878-G-A. GRCh37 (hg19) VCF-style: chr7-92764191-G-A.
Other names: c.1094C>T, p.Ala365Val (NM_001303496.3, NM_001303497.3, NM_001303498.3 and 5 more transcripts); c.1094C>T (NM_152703.2); short protein forms A365V.
Identifiers: ClinVar variation 4743460 (VCV004743460.2).